The following is an entry in ClinVar:

ClinVar aggregate classification (germline): Likely benign (1 of 4 stars; one submission).

gnomAD v4.1: 85 of 1,608,208 alleles (0.0053%); highest among the groups gnomAD compares: African/African-American, 0.11%; no homozygotes.

Submission:

CeGaT Center for Human Genetics Tuebingen
Classification: Likely benign. Last evaluated: 2025-08-01. Review status: criteria provided, single submitter. Criteria: CeGaT Center For Human Genetics Tuebingen Variant Classification Criteria Version 2. Collection method: clinical testing. Allele origin: germline. Affected: yes. Observed: 1 variant allele.
Comment: VPS13C: BP4, BP7

NM_020821.3(VPS13C):c.4209A>G (p.Val1403=)

Gene: VPS13C (vacuolar protein sorting 13 homolog C; minus strand). Cytogenetic location: 15q22.2.
Variant type: single nucleotide variant.
Coding change: c.4209A>G on transcript NM_020821.3 (MANE Select); coding-DNA position 4209, A replaced by G.
Protein change: p.Val1403=; no amino-acid change (valine 1403 retained).
Molecular consequence: synonymous variant.
Genome position (GRCh38, 1-based): chr15:61,954,511, T>C on the plus strand (A>G on the coding strand, the complement: VPS13C is on the minus strand). VCF-style: chr15-61954511-T-C. GRCh37 (hg19) VCF-style: chr15-62246710-T-C.
Other names: c.4209A>G, p.Val1403= (NM_001018088.3); c.4080A>G, p.Val1360= (NM_017684.5, NM_018080.4).
Identifiers: ClinVar variation 4084062 (VCV004084062.8).